The following is an entry in ClinVar:

NM_001039591.3(USP9X):c.4041C>G (p.His1347Gln)

Gene: USP9X (ubiquitin specific peptidase 9 X-linked; plus strand). Cytogenetic location: Xp11.4.
Variant type: single nucleotide variant.
Coding change: c.4041C>G on transcript NM_001039591.3 (MANE Select); coding-DNA position 4041, C replaced by G.
Protein change: p.His1347Gln; replaces histidine 1347 with glutamine.
Molecular consequence: missense variant.
Genome position (GRCh38, 1-based): chrX:41,196,314, C>G. VCF-style: chrX-41196314-C-G. GRCh37 (hg19) VCF-style: chrX-41055567-C-G.
Other names: c.4041C>G, p.His1347Gln (NM_001039590.3); c.4056C>G, p.His1352Gln (NM_001410748.1, NM_001410749.1); short protein forms H1347Q, H1352Q.
Identifiers: ClinVar variation 2504266 (VCV002504266.1), dbSNP rs1430779932, ClinGen allele CA412772256.

ClinVar aggregate classification (germline): Uncertain significance (1 of 4 stars; one submission).

gnomAD v4.1: 2 of 1,211,714 alleles (0.00017%); highest among the groups gnomAD compares: Admixed American, 0.0043%; no homozygotes.

Submission:

GeneDx
Classification: Uncertain significance. Last evaluated: 2022-11-30. Review status: criteria provided, single submitter. Criteria: GeneDx Variant Classification Process June 2021. Collection method: clinical testing. Allele origin: germline. Affected: yes.
Comment: In silico analysis supports that this missense variant does not alter protein structure/function; Has not been previously published as pathogenic or benign to our knowledge